The following is an entry in ClinVar:

ClinVar aggregate classification (germline): Uncertain significance (1 of 4 stars; one submission).

Conditions:
Hypercholesterolemia, autosomal dominant, 3 (FHCL3). Also called: PCSK9-Related Familial Hypercholesterolemia, Autosomal Dominant; Familial hypercholesterolemia 3; Familial Hypercholesterolemia, Autosomal Dominant, 3. Identifiers: MedGen C1863551, MONDO:0011369, OMIM 603776.

Submission:

Labcorp Genetics (formerly Invitae), Labcorp
Classification: Uncertain significance for Hypercholesterolemia, autosomal dominant, 3. Last evaluated: 2021-04-09. Review status: criteria provided, single submitter. Criteria: Invitae Variant Classification Sherloc (09022015). Collection method: clinical testing. Allele origin: germline.
Comment: This sequence change replaces threonine with asparagine at codon 3 of the PCSK9 protein (p.Thr3Asn). The threonine residue is weakly conserved and there is a small physicochemical difference between threonine and asparagine. In summary, the available evidence is currently insufficient to determine the role of this variant in disease. Therefore, it has been classified as a Variant of Uncertain Significance. Advanced modeling of protein sequence and biophysical properties (such as structural, functional, and spatial information, amino acid conservation, physicochemical variation, residue mobility, and thermodynamic stability) performed at Invitae indicates that this missense variant is not expected to disrupt PCSK9 protein function. This variant has not been reported in the literature in individuals with PCSK9-related conditions. This variant is not present in population databases (ExAC no frequency).

NM_174936.4(PCSK9):c.8C>A (p.Thr3Asn)

Gene: PCSK9 (proprotein convertase subtilisin/kexin type 9; plus strand). Cytogenetic location: 1p32.3.
Variant type: single nucleotide variant.
Coding change: c.8C>A on transcript NM_174936.4 (MANE Select); coding-DNA position 8, C replaced by A.
Protein change: p.Thr3Asn; replaces threonine 3 with asparagine.
Molecular consequence: missense variant.
Genome position (GRCh38, 1-based): chr1:55,039,845, C>A. VCF-style: chr1-55039845-C-A. GRCh37 (hg19) VCF-style: chr1-55505518-C-A.
Other names: short protein forms T3N.
Identifiers: ClinVar variation 1468175 (VCV001468175.8), dbSNP rs966100677, ClinGen allele CA22791778.